The following is an entry in ClinVar:

NM_001394062.1(MACF1):c.1706T>A (p.Leu569His)

Gene: MACF1 (microtubule actin crosslinking factor 1; plus strand). Cytogenetic location: 1p34.3.
Variant type: single nucleotide variant.
Coding change: c.1706T>A on transcript NM_001394062.1 (MANE Select); coding-DNA position 1706, T replaced by A.
Protein change: p.Leu569His; replaces leucine 569 with histidine.
Molecular consequence: missense variant.
Genome position (GRCh38, 1-based): chr1:39,287,483, T>A. VCF-style: chr1-39287483-T-A. GRCh37 (hg19) VCF-style: chr1-39753155-T-A.
Other names: c.1721T>A, p.Leu574His (NM_012090.5); short protein forms L569H, L574H.
Identifiers: ClinVar variation 4796599 (VCV004796599.1).

ClinVar aggregate classification (germline): Uncertain significance (1 of 4 stars; one submission).

Conditions:
Lissencephaly 9 with complex brainstem malformation. Identifiers: Orphanet 572013, MedGen C5193029, MONDO:0032677, OMIM 618325.

Submission:

Juno Genomics, Hangzhou Juno Genomics, Inc
Classification: Uncertain significance for Lissencephaly 9 with complex brainstem malformation. Review status: criteria provided, single submitter. Criteria: ACMG Guidelines, 2015. Collection method: clinical testing. Allele origin: germline. Affected: yes.
Comment: Absent from controls (or at extremely low frequency if recessive) in Genome Aggregation Database, Exome Sequencing Project, 1000 Genomes Project, or Exome Aggregation Consortium.;Multiple lines of computational evidence support a deleterious effect on the gene or gene product (conservation, evolutionary, splicing impact, etc).;Missense variant in a gene that has a low rate of benign missense variation and where missense variants are a common mechanism of disease.